The following is an entry in ClinVar:

ClinVar aggregate classification (germline): Pathogenic. Review status: no assertion criteria provided (0 of 4 stars). 2 submissions from 2 submitters: Pathogenic (1). 1 of the submissions does not count toward it. Last evaluated 2002-08-01.

Conditions:
Familial long QT syndrome (RWS). Also called: Romano-Ward syndrome; VENTRICULAR FIBRILLATION WITH PROLONGED QT INTERVAL; Congenital long QT syndrome. Identifiers: Orphanet 768, MedGen C1141890, MONDO:0019171.
Andersen Tawil syndrome (LQT7). Also called: Potassium-sensitive periodic paralysis, ventricular ectopy, and dysmorphic features; Andersen Syndrome; ANDERSEN CARDIODYSRHYTHMIC PERIODIC PARALYSIS; PERIODIC PARALYSIS, POTASSIUM-SENSITIVE CARDIODYSRHYTHMIC TYPE; LONG QT SYNDROME 7. Identifiers: Orphanet 37553, MedGen C1563715, MONDO:0008222, OMIM 170390.

Submissions (2):

OMIM
Classification: Pathogenic for ANDERSEN CARDIODYSRHYTHMIC PERIODIC PARALYSIS. Last evaluated: 2002-08-01. Review status: no assertion criteria provided. Collection method: literature only. Allele origin: germline.

Cardiovascular Biomedical Research Unit, Royal Brompton & Harefield NHS Foundation Trust
No classification provided. Condition: Familial long QT syndrome. Review status: no classification provided. Collection method: literature only. Allele origin: germline. Not counted in ClinVar's aggregate classification.
Comment: This variant has been reported in the following publications (PMID:12163457;PMID:22002906).

Literature cited by the submitters: PubMed 12163457 (cited by OMIM and Cardiovascular Biomedical Research Unit, Royal Brompton & Harefield NHS Foundation Trust); PubMed 22002906 (cited by Cardiovascular Biomedical Research Unit, Royal Brompton & Harefield NHS Foundation Trust); PubMed 22581653 (cited by Cardiovascular Biomedical Research Unit, Royal Brompton & Harefield NHS Foundation Trust).

NM_000891.3(KCNJ2):c.904G>A (p.Val302Met)

Gene: KCNJ2 (potassium inwardly rectifying channel subfamily J member 2; plus strand). Cytogenetic location: 17q24.3.
Variant type: single nucleotide variant.
Coding change: c.904G>A on transcript NM_000891.3 (MANE Select); coding-DNA position 904, G replaced by A.
Protein change: p.Val302Met; replaces valine 302 with methionine.
Molecular consequence: missense variant.
Genome position (GRCh38, 1-based): chr17:70,175,943, G>A. VCF-style: chr17-70175943-G-A. GRCh37 (hg19) VCF-style: chr17-68172084-G-A.
Other names: c.904G>A (LRG_328t1); short protein forms V302M.
Identifiers: ClinVar variation 8925 (VCV000008925.2), dbSNP rs104894582, ClinGen allele CA254598.